The following is an entry in ClinVar:

ClinVar aggregate classification (germline): Uncertain significance (1 of 4 stars; one submission).

Conditions:
TTN-related disorder. Also called: TTN-related condition; TTN-related disease; TTN-related disorders.

gnomAD v4.1: 9 of 1,611,782 alleles (0.00056%); highest among the groups gnomAD compares: Admixed American, 0.01%; no homozygotes.

Submission:

PreventionGenetics, part of Exact Sciences
Classification: Uncertain significance for TTN-related condition. Last evaluated: 2025-11-10. Review status: criteria provided, single submitter. Criteria: ACMG Guidelines, 2015. Collection method: clinical testing. Allele origin: germline.
Comment: The TTN c.15314G>T variant is predicted to result in the amino acid substitution p.Arg5105Leu. To our knowledge, this variant has not been reported in the literature. This variant is reported in 0.012% of alleles in individuals of Latino descent in gnomAD. At this time, the clinical significance of this variant is uncertain due to the absence of conclusive functional and genetic evidence.

NM_001267550.2(TTN):c.11312-5165G>T

Gene: TTN (titin; minus strand). Cytogenetic location: 2q31.2.
Variant type: single nucleotide variant.
Coding change: c.11312-5165G>T on transcript NM_001267550.2 (MANE Select); 5165 bases into the intron before coding-DNA position 11312, G replaced by T.
Molecular consequence: intron variant. On other transcripts: missense variant (1).
Genome position (GRCh38, 1-based): chr2:178,747,086, C>A on the plus strand (G>T on the coding strand, the complement: TTN is on the minus strand). VCF-style: chr2-178747086-C-A. GRCh37 (hg19) VCF-style: chr2-179611813-C-A.
Other names: c.15314G>T, p.Arg5105Leu (NM_133379.5); c.10223-5165G>T (NM_003319.4); c.10799-5165G>T (NM_133437.4); c.10598-5165G>T (NM_133432.3); c.10360+6038G>T (NM_133378.4); c.10361-5165G>T (NM_001256850.1); short protein forms R5105L.
Identifiers: ClinVar variation 4979560 (VCV004979560.1).